The following is an entry in ClinVar:

ClinVar aggregate classification (germline): Benign/Likely benign. Review status: criteria provided, multiple submitters, no conflicts (2 of 4 stars). 5 submissions from 5 submitters: Benign (2); Likely benign (3). Last evaluated 2026-01-15.

Conditions:
Early-infantile DEE. Also called: Ohtahara syndrome; Early infantile epileptic encephalopathy; Early infantile epileptic encephalopathy with suppression bursts. Identifiers: Orphanet 1934, MedGen C0393706, MONDO:0800491.
Inborn genetic diseases. Identifiers: MedGen C0950123, MeSH D030342.

Allele frequency attached by ClinVar (database versions not stated): gnomAD exomes 0.00016 and 0.00050; ExAC 0.00063; 1000 Genomes Project 30x 0.00187; gnomAD 0.00192 and 0.00208; 1000 Genomes Project 0.00200; ESP Exome Variant Server 0.00215; TOPMed 0.00216.
gnomAD v4.1: 530 of 1,613,736 alleles (0.033%); highest among the groups gnomAD compares: African/African-American, 0.63%; 4 homozygotes.

Submissions (5):

Labcorp Genetics (formerly Invitae), Labcorp
Classification: Benign for Early-infantile DEE. Last evaluated: 2026-01-15. Review status: criteria provided, single submitter. Criteria: Invitae Variant Classification Sherloc (09022015). Collection method: clinical testing. Allele origin: germline.

Blueprint Genetics
Classification: Likely benign. Last evaluated: 2024-07-06. Review status: criteria provided, single submitter. Criteria: ACMG Guidelines, 2015. Collection method: clinical testing. Allele origin: germline.

CeGaT Center for Human Genetics Tuebingen
Classification: Likely benign. Last evaluated: 2024-01-01. Review status: criteria provided, single submitter. Criteria: CeGaT Center For Human Genetics Tuebingen Variant Classification Criteria Version 2. Collection method: clinical testing. Allele origin: germline. Affected: yes. Observed: 1 variant allele.
Comment: GNAO1: BP4, BP7, BS2

GeneDx
Classification: Benign. Last evaluated: 2018-11-06. Review status: criteria provided, single submitter. Criteria: GeneDx Variant Classification Process June 2021. Collection method: clinical testing. Allele origin: germline. Affected: yes.

Ambry Genetics
Classification: Likely benign for Inborn genetic diseases. Last evaluated: 2016-06-18. Review status: criteria provided, single submitter. Criteria: Ambry Variant Classification Scheme 2023. Collection method: clinical testing. Allele origin: germline.

NM_020988.3(GNAO1):c.654C>T (p.Asp218=)

Gene: GNAO1 (G protein subunit alpha o1; plus strand). Cytogenetic location: 16q13.
Variant type: single nucleotide variant.
Coding change: c.654C>T on transcript NM_020988.3 (MANE Select); coding-DNA position 654, C replaced by T.
Protein change: p.Asp218=; no amino-acid change (aspartic acid 218 retained).
Molecular consequence: synonymous variant.
Genome position (GRCh38, 1-based): chr16:56,336,791, C>T. VCF-style: chr16-56336791-C-T. GRCh37 (hg19) VCF-style: chr16-56370703-C-T.
Other names: c.654C>T, p.Asp218= (NM_138736.3).
Identifiers: ClinVar variation 241366 (VCV000241366.41), dbSNP rs139322464, ClinGen allele CA8063827.
Genomic context (GRCh38, chr16:56,336,791, plus strand): 5'-GCTGTTTGACGTCGGAGGCCAGCGATCTGAACGCAAGAAGTGGATCCATTGCTTCGAGGA[C>T]GTCACGGCCATCATTTTCTGTGTCGCGCTCAGCGGCTATGACCAGGTGCTCCACGAAGAC-3'
Protein context (NP_066268.1, residues 208-228): ERKKWIHCFE[Asp218=]VTAIIFCVAL